The following is an entry in ClinVar:

ClinVar aggregate classification (germline): Likely pathogenic (1 of 4 stars; one submission).

Allele frequency attached by ClinVar (database versions not stated): TOPMed 0.00001.
gnomAD v4.1: 4 of 1,614,162 alleles (0.00025%); highest among the groups gnomAD compares: African/African-American, 0.0027%; no homozygotes.

Submission:

Labcorp Genetics (formerly Invitae), Labcorp
Classification: Likely pathogenic. Last evaluated: 2022-04-22. Review status: criteria provided, single submitter. Criteria: Invitae Variant Classification Sherloc (09022015). Collection method: clinical testing. Allele origin: germline.
Comment: In summary, the currently available evidence indicates that the variant is pathogenic, but additional data are needed to prove that conclusively. Therefore, this variant has been classified as Likely Pathogenic. Algorithms developed to predict the effect of sequence changes on RNA splicing suggest that this variant may create or strengthen a splice site. Advanced modeling of protein sequence and biophysical properties (such as structural, functional, and spatial information, amino acid conservation, physicochemical variation, residue mobility, and thermodynamic stability) performed at Invitae indicates that this missense variant is expected to disrupt TMPRSS3 protein function. This missense change has been observed in individual(s) with autosomal recessive deafness (PMID: 32860223; Invitae). In at least one individual the data is consistent with being in trans (on the opposite chromosome) from a pathogenic variant. This variant is not present in population databases (gnomAD no frequency). This sequence change replaces tryptophan, which is neutral and slightly polar, with serine, which is neutral and polar, at codon 343 of the TMPRSS3 protein (p.Trp343Ser).

Literature cited by the submitters: PubMed 32860223.

NM_001256317.3(TMPRSS3):c.1028G>C (p.Trp343Ser)

Gene: TMPRSS3 (transmembrane serine protease 3; minus strand). Cytogenetic location: 21q22.3.
Variant type: single nucleotide variant.
Coding change: c.1028G>C on transcript NM_001256317.3 (MANE Select); coding-DNA position 1028, G replaced by C.
Protein change: p.Trp343Ser; replaces tryptophan 343 with serine.
Molecular consequence: missense variant.
Genome position (GRCh38, 1-based): chr21:42,380,137, C>G on the plus strand (G>C on the coding strand, the complement: TMPRSS3 is on the minus strand). VCF-style: chr21-42380137-C-G. GRCh37 (hg19) VCF-style: chr21-43800246-C-G.
Other names: c.1028G>C, p.Trp343Ser (NM_024022.4); c.647G>C, p.Trp216Ser (NM_032404.3); short protein forms W216S, W343S.
Identifiers: ClinVar variation 1970207 (VCV001970207.5), dbSNP rs540715620, ClinGen allele CA410370736.